The following is an entry in ClinVar:

NM_001365276.2(TNXB):c.1070G>T (p.Cys357Phe)

Gene: TNXB (tenascin XB; minus strand). Cytogenetic location: 6p21.33.
Variant type: single nucleotide variant.
Coding change: c.1070G>T on transcript NM_001365276.2 (MANE Select); coding-DNA position 1070, G replaced by T.
Protein change: p.Cys357Phe; replaces cysteine 357 with phenylalanine.
Molecular consequence: missense variant.
Genome position (GRCh38, 1-based): chr6:32,096,783, C>A on the plus strand (G>T on the coding strand, the complement: TNXB is on the minus strand). VCF-style: chr6-32096783-C-A. GRCh37 (hg19) VCF-style: chr6-32064560-C-A.
Other names: c.1070G>T, p.Cys357Phe (NM_001428335.1, NM_019105.8); short protein forms C357F.
Identifiers: ClinVar variation 4865818 (VCV004865818.1).

ClinVar aggregate classification (germline): Uncertain significance (1 of 4 stars; one submission).

Conditions:
Cardiovascular phenotype. Identifiers: MedGen CN230736.

gnomAD v4.1: 2 of 1,572,904 alleles (0.00013%); highest among the groups gnomAD compares: Non-Finnish European, 0.00017%; no homozygotes.

Submission:

Ambry Genetics
Classification: Uncertain significance for Cardiovascular phenotype. Last evaluated: 2026-04-27. Review status: criteria provided, single submitter. Criteria: Ambry Variant Classification Scheme 2023. Collection method: clinical testing. Allele origin: germline.
Comment: The p.C357F variant (also known as c.1070G>T), located in coding exon 2 of the TNXB gene, results from a G to T substitution at nucleotide position 1070. The cysteine at codon 357 is replaced by phenylalanine, an amino acid with highly dissimilar properties. This amino acid position is conserved. In addition, the in silico prediction for this alteration is inconclusive. Based on the available evidence, the clinical significance of this variant remains unclear.